The following is an entry in ClinVar:

NM_005219.5(DIAPH1):c.2809C>T (p.Leu937Phe)

Gene: DIAPH1 (diaphanous related formin 1; minus strand). Cytogenetic location: 5q31.3.
Variant type: single nucleotide variant.
Coding change: c.2809C>T on transcript NM_005219.5 (MANE Select); coding-DNA position 2809, C replaced by T.
Protein change: p.Leu937Phe; replaces leucine 937 with phenylalanine.
Molecular consequence: missense variant.
Genome position (GRCh38, 1-based): chr5:141,528,911, G>A on the plus strand (C>T on the coding strand, the complement: DIAPH1 is on the minus strand). VCF-style: chr5-141528911-G-A. GRCh37 (hg19) VCF-style: chr5-140908478-G-A.
Other names: c.2782C>T, p.Leu928Phe (NM_001079812.3); c.2809C>T, p.Leu937Phe (NM_001314007.2); short protein forms L928F, L937F.
Identifiers: ClinVar variation 2007500 (VCV002007500.4), dbSNP rs2513625478, ClinGen allele CA361585395.

ClinVar aggregate classification (germline): Uncertain significance (1 of 4 stars; one submission).

Conditions:
Autosomal dominant nonsyndromic hearing loss 1. Also called: KONIGSMARK SYNDROME; DEAFNESS, AUTOSOMAL DOMINANT 1, WITH OR WITHOUT THROMBOCYTOPENIA. Identifiers: Orphanet 90635, MedGen C1852282, MONDO:0007424, OMIM 124900.
Progressive microcephaly-seizures-cortical blindness-developmental delay syndrome. Also called: Seizures, cortical blindness, and microcephaly syndrome. Identifiers: Orphanet 477814, MedGen C5567650, MONDO:0014714, OMIM 616632.

Submission:

Labcorp Genetics (formerly Invitae), Labcorp
Classification: Uncertain significance for Progressive microcephaly-seizures-cortical blindness-developmental delay syndrome; Autosomal dominant nonsyndromic hearing loss 1. Last evaluated: 2024-02-23. Review status: criteria provided, single submitter. Criteria: Invitae Variant Classification Sherloc (09022015). Collection method: clinical testing. Allele origin: germline.
Comment: This sequence change replaces leucine, which is neutral and non-polar, with phenylalanine, which is neutral and non-polar, at codon 937 of the DIAPH1 protein (p.Leu937Phe). This variant is not present in population databases (gnomAD no frequency). This variant has not been reported in the literature in individuals affected with DIAPH1-related conditions. ClinVar contains an entry for this variant (Variation ID: 2007500). An algorithm developed to predict the effect of missense changes on protein structure and function (PolyPhen-2) suggests that this variant is likely to be disruptive. In summary, the available evidence is currently insufficient to determine the role of this variant in disease. Therefore, it has been classified as a Variant of Uncertain Significance.